The following is an entry in ClinVar:

ClinVar aggregate classification (germline): Likely pathogenic (1 of 4 stars; one submission).

Allele frequency attached by ClinVar (database versions not stated): TOPMed below 0.00001.
gnomAD v4.1: 2 of 1,609,984 alleles (0.00012%); highest among the groups gnomAD compares: Non-Finnish European, 0.00017%; no homozygotes.

Submission:

Labcorp Genetics (formerly Invitae), Labcorp
Classification: Likely pathogenic. Last evaluated: 2022-12-12. Review status: criteria provided, single submitter. Criteria: Invitae Variant Classification Sherloc (09022015). Collection method: clinical testing. Allele origin: germline.
Comment: In summary, the currently available evidence indicates that the variant is pathogenic, but additional data are needed to prove that conclusively. Therefore, this variant has been classified as Likely Pathogenic. Algorithms developed to predict the effect of sequence changes on RNA splicing suggest that this variant may disrupt the consensus splice site. This variant has not been reported in the literature in individuals affected with MCPH1-related conditions. This variant is not present in population databases (gnomAD no frequency). This sequence change affects an acceptor splice site in intron 1 of the MCPH1 gene. It is expected to disrupt RNA splicing. Variants that disrupt the donor or acceptor splice site typically lead to a loss of protein function (PMID: 16199547), and loss-of-function variants in MCPH1 are known to be pathogenic (PMID: 20978018).

Literature cited by the submitters: PubMed 16199547; PubMed 20978018.

NM_024596.5(MCPH1):c.23-1G>A

Gene: MCPH1 (microcephalin 1; plus strand). Cytogenetic location: 8p23.1.
Variant type: single nucleotide variant.
Coding change: c.23-1G>A on transcript NM_024596.5 (MANE Select); the canonical splice acceptor site of the intron before coding-DNA position 23, G replaced by A.
Molecular consequence: splice acceptor variant. On other transcripts: intron variant (1).
Genome position (GRCh38, 1-based): chr8:6,409,278, G>A. VCF-style: chr8-6409278-G-A. GRCh37 (hg19) VCF-style: chr8-6266799-G-A.
Other names: c.23-1G>A (NM_001322042.2, NM_001363980.2, NM_001363979.1 and 4 more transcripts); c.23-7G>A (NM_001322043.2); c.-80-1G>A (NM_001322045.2).
Identifiers: ClinVar variation 2820398 (VCV002820398.3), dbSNP rs1269068071, ClinGen allele CA370215276.